The following is an entry in ClinVar:

ClinVar aggregate classification (germline): Likely benign (0 of 4 stars; one submission).

Conditions:
BRSK2-related disorder. Also called: BRSK2-related condition; BRSK2-Related Disorders.

Submission:

PreventionGenetics, part of Exact Sciences
Classification: Likely benign for BRSK2-related condition. Last evaluated: 2019-11-21. Review status: no assertion criteria provided. Collection method: clinical testing. Allele origin: germline.
Comment: This variant is classified as likely benign based on ACMG/AMP sequence variant interpretation guidelines (Richards et al. 2015 PMID: 25741868, with internal and published modifications).

NM_001256627.2(BRSK2):c.1035G>C (p.Pro345=)

Gene: BRSK2 (BR serine/threonine kinase 2; plus strand). Cytogenetic location: 11p15.5.
Variant type: single nucleotide variant.
Coding change: c.1035G>C on transcript NM_001256627.2 (MANE Select); coding-DNA position 1035, G replaced by C.
Protein change: p.Pro345=; no amino-acid change (proline 345 retained).
Molecular consequence: synonymous variant. On other transcripts: non-coding transcript variant (1).
Genome position (GRCh38, 1-based): chr11:1,445,628, G>C. VCF-style: chr11-1445628-G-C. GRCh37 (hg19) VCF-style: chr11-1466858-G-C.
Other names: c.1035G>C, p.Pro345= (NM_001256629.2, NM_003957.4); c.1173G>C, p.Pro391= (NM_001256630.1); c.855G>C, p.Pro285= (NM_001282218.2).
Identifiers: ClinVar variation 3048550 (VCV003048550.2), dbSNP rs371152368, ClinGen allele CA5810786.